The following is an entry in ClinVar:

NM_000260.4(MYO7A):c.4487C>A (p.Thr1496Lys)

Gene: MYO7A (myosin VIIA; plus strand). Cytogenetic location: 11q13.5.
Variant type: single nucleotide variant.
Coding change: c.4487C>A on transcript NM_000260.4 (MANE Select); coding-DNA position 4487, C replaced by A.
Protein change: p.Thr1496Lys; replaces threonine 1496 with lysine.
Molecular consequence: missense variant.
Genome position (GRCh38, 1-based): chr11:77,198,540, C>A. VCF-style: chr11-77198540-C-A. GRCh37 (hg19) VCF-style: chr11-76909585-C-A.
Other names: c.4487C>A, p.Thr1496Lys (NM_001127180.2); c.4454C>A, p.Thr1485Lys (NM_001369365.1); short protein forms T1496K, T1485K.
Identifiers: ClinVar variation 3721075 (VCV003721075.3).

ClinVar aggregate classification (germline): Conflicting classifications of pathogenicity. Review status: criteria provided, conflicting classifications (1 of 4 stars). 3 submissions from 3 submitters: Likely pathogenic (1); Uncertain significance (2). Last evaluated 2024-12-05.

Conditions:
MYO7A-related disorder. Also called: MYO7A-related disorders.

gnomAD v4.1: 1 of 1,613,914 alleles (0.000062%); highest among the groups gnomAD compares: Non-Finnish European, 0.000085%; no homozygotes.

Submissions (3):

Women's Health and Genetics/Laboratory Corporation of America, LabCorp
Classification: Uncertain significance. Last evaluated: 2024-12-05. Review status: criteria provided, single submitter. Criteria: LabCorp Variant Classification Summary - May 2015. Collection method: clinical testing. Allele origin: germline.
Comment: Variant summary: MYO7A c.4487C>A (p.Thr1496Lys) results in a non-conservative amino acid change in the encoded protein sequence. Three of five in-silico tools predict a damaging effect of the variant on protein function. The variant was absent in 248958 control chromosomes (gnomAD). c.4487C>A has been reported in the literature in individuals affected with non-syndromic hearing loss, autosomal recessive (Bakhchane_2017). These data indicate that the variant may be associated with disease. To our knowledge, no experimental evidence demonstrating an impact on protein function has been reported. The following publication has been ascertained in the context of this evaluation (PMID: 28472130). No submitters have cited clinical-significance assessments for this variant to ClinVar. Based on the evidence outlined above, the variant was classified as VUS-possibly pathogenic.

Labcorp Genetics (formerly Invitae), Labcorp
Classification: Uncertain significance. Last evaluated: 2024-04-30. Review status: criteria provided, single submitter. Criteria: Invitae Variant Classification Sherloc (09022015). Collection method: clinical testing. Allele origin: germline.
Comment: This sequence change replaces threonine, which is neutral and polar, with lysine, which is basic and polar, at codon 1496 of the MYO7A protein (p.Thr1496Lys). This variant is not present in population databases (gnomAD no frequency). This missense change has been observed in individual(s) with mild progressive hearing loss (PMID: 28472130). Advanced modeling of protein sequence and biophysical properties (such as structural, functional, and spatial information, amino acid conservation, physicochemical variation, residue mobility, and thermodynamic stability) performed at Invitae indicates that this missense variant is not expected to disrupt MYO7A protein function with a negative predictive value of 95%. In summary, the available evidence is currently insufficient to determine the role of this variant in disease. Therefore, it has been classified as a Variant of Uncertain Significance.

Blueprint Genetics
Classification: Likely pathogenic for MYO7A-related disorders. Last evaluated: 2024-02-21. Review status: criteria provided, single submitter. Criteria: ACMG Guidelines, 2015. Collection method: clinical testing. Allele origin: germline. Affected: yes. Observed: 2 variant alleles.

Literature cited by the submitters: PubMed 28472130 (cited by Women's Health and Genetics/Laboratory Corporation of America, LabCorp and Labcorp Genetics (formerly Invitae), Labcorp).